The following is an entry in ClinVar:

ClinVar aggregate classification (germline): Uncertain significance (1 of 4 stars; one submission).

gnomAD v4.1: 9 of 1,612,802 alleles (0.00056%); highest among the groups gnomAD compares: Admixed American, 0.0033%; no homozygotes.

Submission:

CeGaT Center for Human Genetics Tuebingen
Classification: Uncertain significance. Last evaluated: 2025-11-01. Review status: criteria provided, single submitter. Criteria: CeGaT Center For Human Genetics Tuebingen Variant Classification Criteria Version 2. Collection method: clinical testing. Allele origin: germline. Affected: yes. Observed: 1 variant allele.
Comment: DHX9: PM2

NM_001357.5(DHX9):c.2087G>A (p.Arg696His)

Gene: DHX9 (DExH-box helicase 9; plus strand). Cytogenetic location: 1q25.3.
Variant type: single nucleotide variant.
Coding change: c.2087G>A on transcript NM_001357.5 (MANE Select); coding-DNA position 2087, G replaced by A.
Protein change: p.Arg696His; replaces arginine 696 with histidine.
Molecular consequence: missense variant. On other transcripts: non-coding transcript variant (1).
Genome position (GRCh38, 1-based): chr1:182,876,504, G>A. VCF-style: chr1-182876504-G-A. GRCh37 (hg19) VCF-style: chr1-182845639-G-A.
Other names: short protein forms R696H.
Identifiers: ClinVar variation 4534428 (VCV004534428.6).